The following is an entry in ClinVar:

NM_001366385.1(CARD14):c.2376G>T (p.Gln792His)

Genes: CARD14 (caspase recruitment domain family member 14; plus strand), SGSH (N-sulfoglucosamine sulfohydrolase; minus strand). Cytogenetic location: 17q25.3.
Variant type: single nucleotide variant.
Coding change: c.2376G>T on transcript NM_001366385.1 (MANE Select); coding-DNA position 2376, G replaced by T.
Protein change: p.Gln792His; replaces glutamine 792 with histidine.
Molecular consequence: missense variant. On other transcripts: non-coding transcript variant (1).
Genome position (GRCh38, 1-based): chr17:80,204,319, G>T. VCF-style: chr17-80204319-G-T. GRCh37 (hg19) VCF-style: chr17-78178118-G-T.
Other names: c.2376G>T, p.Gln792His (NM_024110.4); short protein forms Q792H.
Identifiers: ClinVar variation 1507369 (VCV001507369.8), dbSNP rs993221979, ClinGen allele CA401355626.
Genomic context (GRCh38, chr17:80,204,319, plus strand): 5'-CATCGTCAGTATGGACAAAGCCAAGGCCAGCCCTCTGCGTTTGTCCTTTGACAGGGGCCA[G>T]TTGGACCCCAGCAGGATGGAGGGTGAGGCCTGGTGAGCTGGCACAGGGGCCACTGGCTCC-3'
Protein context (NP_001353314.1, residues 782-802): SPLRLSFDRG[Gln792His]LDPSRMEGSS

ClinVar aggregate classification (germline): Uncertain significance (1 of 4 stars; one submission).

Conditions:
Pityriasis rubra pilaris (PRP). Also called: Pityriasis rubra pilaris--familial type. Identifiers: Orphanet 2897, MedGen C0032027, MONDO:0100017, OMIM 173200, MONDO:0008251.
Psoriasis 2. Identifiers: MedGen C1864497, MONDO:0011269, OMIM 602723.

Allele frequency attached by ClinVar (database versions not stated): gnomAD exomes below 0.00001.
gnomAD v4.1: 1 of 1,587,480 alleles (0.000063%); highest among the groups gnomAD compares: African/African-American, 0.0013%; no homozygotes.

Submission:

Labcorp Genetics (formerly Invitae), Labcorp
Classification: Uncertain significance for Pityriasis rubra pilaris; Psoriasis 2. Last evaluated: 2025-05-07. Review status: criteria provided, single submitter. Criteria: Invitae Variant Classification Sherloc (09022015). Collection method: clinical testing. Allele origin: germline.
Comment: This sequence change replaces glutamine, which is neutral and polar, with histidine, which is basic and polar, at codon 792 of the CARD14 protein (p.Gln792His). This variant is not present in population databases (gnomAD no frequency). This variant has not been reported in the literature in individuals affected with CARD14-related conditions. ClinVar contains an entry for this variant (Variation ID: 1507369). Invitae Evidence Modeling of protein sequence and biophysical properties (such as structural, functional, and spatial information, amino acid conservation, physicochemical variation, residue mobility, and thermodynamic stability) indicates that this missense variant is not expected to disrupt CARD14 protein function with a negative predictive value of 95%. In summary, the available evidence is currently insufficient to determine the role of this variant in disease. Therefore, it has been classified as a Variant of Uncertain Significance.